The following is an entry in ClinVar:

NM_014339.7(IL17RA):c.2416G>A (p.Glu806Lys)

Gene: IL17RA (interleukin 17 receptor A; plus strand). Cytogenetic location: 22q11.1.
Variant type: single nucleotide variant.
Coding change: c.2416G>A on transcript NM_014339.7 (MANE Select); coding-DNA position 2416, G replaced by A.
Protein change: p.Glu806Lys; replaces glutamic acid 806 with lysine.
Molecular consequence: missense variant.
Genome position (GRCh38, 1-based): chr22:17,109,635, G>A. VCF-style: chr22-17109635-G-A. GRCh37 (hg19) VCF-style: chr22-17590525-G-A.
Other names: c.2314G>A, p.Glu772Lys (NM_001289905.2); short protein forms E772K, E806K.
Identifiers: ClinVar variation 1966918 (VCV001966918.5), dbSNP rs765340113, ClinGen allele CA10086987.
Genomic context (GRCh38, chr22:17,109,635, plus strand): 5'-CAGCGGCAGTCAGTGCAGTCTGACCAGGGCTACATCTCCAGGAGCTCCCCGCAGCCCCCC[G>A]AGGGACTCACGGAAATGGAGGAAGAGGAGGAAGAGGAGCAGGACCCAGGGAAGCCGGCCC-3'
Protein context (NP_055154.3, residues 796-816): YISRSSPQPP[Glu806Lys]GLTEMEEEEE

ClinVar aggregate classification (germline): Uncertain significance (1 of 4 stars; one submission).

Conditions:
Immunodeficiency 51 (IMD51). Also called: CANDIDIASIS, FAMILIAL, 5. Identifiers: Orphanet 1334, MedGen C4310803, MONDO:0013500, OMIM 613953.

Allele frequency attached by ClinVar (database versions not stated): gnomAD 0.00001; ExAC 0.00004.
gnomAD v4.1: 14 of 1,608,376 alleles (0.00087%); highest among the groups gnomAD compares: South Asian, 0.0078%; no homozygotes.

Submission:

Labcorp Genetics (formerly Invitae), Labcorp
Classification: Uncertain significance for Immunodeficiency 51. Last evaluated: 2022-02-06. Review status: criteria provided, single submitter. Criteria: Invitae Variant Classification Sherloc (09022015). Collection method: clinical testing. Allele origin: germline.
Comment: In summary, the available evidence is currently insufficient to determine the role of this variant in disease. Therefore, it has been classified as a Variant of Uncertain Significance. Algorithms developed to predict the effect of missense changes on protein structure and function are either unavailable or do not agree on the potential impact of this missense change (SIFT: "Deleterious"; PolyPhen-2: "Benign"; Align-GVGD: "Class C0"). This variant has not been reported in the literature in individuals affected with IL17RA-related conditions. This variant is present in population databases (rs765340113, gnomAD 0.003%). This sequence change replaces glutamic acid, which is acidic and polar, with lysine, which is basic and polar, at codon 806 of the IL17RA protein (p.Glu806Lys).